The following is an entry in ClinVar:

ClinVar aggregate classification (germline): Likely benign (1 of 4 stars; one submission).

Submission:

CeGaT Center for Human Genetics Tuebingen
Classification: Likely benign. Last evaluated: 2023-08-01. Review status: criteria provided, single submitter. Criteria: CeGaT Center For Human Genetics Tuebingen Variant Classification Criteria Version 2. Collection method: clinical testing. Allele origin: germline. Affected: yes. Observed: 2 variant alleles.
Comment: CACNA1B: BP4, BP7

NM_000718.4(CACNA1B):c.2640T>G (p.Gly880=)

Gene: CACNA1B (calcium voltage-gated channel subunit alpha1 B; plus strand). Cytogenetic location: 9q34.3.
Variant type: single nucleotide variant.
Coding change: c.2640T>G on transcript NM_000718.4 (MANE Select); coding-DNA position 2640, T replaced by G.
Protein change: p.Gly880=; no amino-acid change (glycine 880 retained).
Molecular consequence: synonymous variant.
Genome position (GRCh38, 1-based): chr9:138,023,383, T>G. VCF-style: chr9-138023383-T-G. GRCh37 (hg19) VCF-style: chr9-140917835-T-G.
Other names: c.2640T>G, p.Gly880= (NM_001243812.2).
Identifiers: ClinVar variation 2659851 (VCV002659851.24), dbSNP rs2539373874, ClinGen allele CA468162439.